The following is an entry in ClinVar:

ClinVar aggregate classification (germline): Conflicting classifications of pathogenicity. Review status: criteria provided, conflicting classifications (1 of 4 stars). 2 submissions from 2 submitters: Uncertain significance (1); Likely benign (1). Last evaluated 2026-05-15.

Conditions:
Hereditary cancer-predisposing syndrome. Also called: Hereditary Cancer Syndrome; Neoplastic Syndromes, Hereditary; Tumor predisposition; Hereditary neoplastic syndrome. Identifiers: Orphanet 140162, MedGen C0027672, MeSH D009386, MONDO:0015356.
Hereditary diffuse gastric adenocarcinoma (HDGC). Also called: DIFFUSE GASTRIC AND LOBULAR BREAST CANCER SYNDROME. Identifiers: Orphanet 26106, MedGen C1708349, MONDO:0007648, OMIM 137215.

Submissions (2):

Ambry Genetics
Classification: Likely benign for Hereditary cancer-predisposing syndrome. Last evaluated: 2026-05-15. Review status: criteria provided, single submitter. Criteria: Ambry Variant Classification Scheme 2023. Collection method: clinical testing. Allele origin: germline.

Pittsburgh Clinical Genomics Laboratory, University of Pittsburgh Medical Center
Classification: Uncertain significance for Hereditary diffuse gastric cancer. Last evaluated: 2018-08-02. Review status: criteria provided, single submitter. Criteria: ACMG Guidelines, 2015. Collection method: clinical testing. Allele origin: germline. Affected: yes. Observed: 1 variant allele.
Comment: This sequence variant is a single nucleotide substitution (G>C) that results in a valine to leucine amino acid change at residue 430 in the CDH1 protein. This variant has not been previously reported in patients with CDH1 related diseases, to our knowledge, and is not found within control population datasets (gnomAD database). This variant falls within one of the extracellular cadherin domains, but functional studies assessing whether this variant disrupts the binding of this domain to other cell adhesion proteins have not been performed. The Val430 residue is poorly conserved among mammalian species. Clinical reports exist for other variants at this amino acid position (Val430Ala and Val430Gly), though the contribution of these variants to disease is uncertain. Based upon the evidence, we consider this particular CDH1 nucleotide change to be a variant of uncertain clinical significance.

NM_004360.5(CDH1):c.1288G>C (p.Val430Leu)

Gene: CDH1 (cadherin 1; plus strand). Cytogenetic location: 16q22.1.
Variant type: single nucleotide variant.
Coding change: c.1288G>C on transcript NM_004360.5 (MANE Select); coding-DNA position 1288, G replaced by C.
Protein change: p.Val430Leu; replaces valine 430 with leucine.
Molecular consequence: missense variant. On other transcripts: 5 prime UTR variant (2), intron variant (1).
Genome position (GRCh38, 1-based): chr16:68,813,463, G>C. VCF-style: chr16-68813463-G-C. GRCh37 (hg19) VCF-style: chr16-68847366-G-C.
Other names: c.-328G>C (NM_001317185.2); c.-532G>C (NM_001317186.2); c.1137+1200G>C (NM_001317184.2); c.1288G>C (NM_004360.3); short protein forms V430L.
Identifiers: ClinVar variation 973348 (VCV000973348.3), dbSNP rs1960899829, ClinGen allele CA396461786.
Genomic context (GRCh38, chr16:68,813,463, plus strand): 5'-GAGGCTGTATACACCATATTGAATGATGATGGTGGACAATTTGTCGTCACCACAAATCCA[G>C]TGAACAACGATGGCATTTTGAAAACAGCAAAGGTTTGTATGGTACCTGGCAAGATGCAGA-3'
Protein context (NP_004351.1, residues 420-440): GGQFVVTTNP[Val430Leu]NNDGILKTAK